The following is an entry in ClinVar:

NM_012471.3(TRPC5):c.1535G>A (p.Arg512His)

Gene: TRPC5 (transient receptor potential cation channel subfamily C member 5; minus strand). Cytogenetic location: Xq23.
Variant type: single nucleotide variant.
Coding change: c.1535G>A on transcript NM_012471.3 (MANE Select); coding-DNA position 1535, G replaced by A.
Protein change: p.Arg512His; replaces arginine 512 with histidine.
Molecular consequence: missense variant.
Genome position (GRCh38, 1-based): chrX:111,847,279, C>T on the plus strand (G>A on the coding strand, the complement: TRPC5 is on the minus strand). VCF-style: chrX-111847279-C-T. GRCh37 (hg19) VCF-style: chrX-111090507-C-T.
Other names: short protein forms R512H.
Identifiers: ClinVar variation 4986105 (VCV004986105.1).

ClinVar aggregate classification (germline): Uncertain significance (1 of 4 stars; one submission).

Conditions:
TRPC5-related disorder. Also called: TRPC5-related condition.

gnomAD v4.1: 4 of 1,208,845 alleles (0.00033%); no homozygotes.

Submission:

PreventionGenetics, part of Exact Sciences
Classification: Uncertain significance for TRPC5-related condition. Last evaluated: 2025-11-02. Review status: criteria provided, single submitter. Criteria: ACMG Guidelines, 2015. Collection method: clinical testing. Allele origin: germline.
Comment: The TRPC5 c.1535G>A variant is predicted to result in the amino acid substitution p.Arg512His. To our knowledge, this variant has not been reported in the literature. This variant is reported in 0.022% of alleles in individuals of European (Finnish) descent in gnomAD. At this time, the clinical significance of this variant is uncertain due to the absence of conclusive functional and genetic evidence.